The following is an entry in ClinVar:

ClinVar aggregate classification (germline): Uncertain significance (1 of 4 stars; one submission).

Conditions:
Neuropathy, hereditary sensory and autonomic, type 2A (HSAN2A). Also called: ACROOSTEOLYSIS, GIACCAI TYPE; ACROOSTEOLYSIS, NEUROGENIC; MORVAN DISEASE; NEUROPATHY, CONGENITAL SENSORY; NEUROPATHY, HEREDITARY SENSORY RADICULAR, AUTOSOMAL RECESSIVE; NEUROPATHY, HEREDITARY SENSORY, TYPE IIA. Identifiers: Orphanet 970, MedGen C2752089, MONDO:0024309, OMIM 201300.
Pseudohypoaldosteronism type 2C (PHA2C). Also called: Pseudohypoaldosteronism Type IIC. Identifiers: Orphanet 757, Orphanet 88940, MedGen C1840391, MONDO:0013778, OMIM 614492.

gnomAD v4.1: 2 of 1,612,376 alleles (0.00012%); highest among the groups gnomAD compares: African/African-American, 0.0027%; no homozygotes.

Submission:

Labcorp Genetics (formerly Invitae), Labcorp
Classification: Uncertain significance for Neuropathy, hereditary sensory and autonomic, type 2A; Pseudohypoaldosteronism type 2C. Last evaluated: 2024-09-02. Review status: criteria provided, single submitter. Criteria: Invitae Variant Classification Sherloc (09022015). Collection method: clinical testing. Allele origin: germline.
Comment: This sequence change replaces histidine, which is basic and polar, with aspartic acid, which is acidic and polar, at codon 2348 of the WNK1 protein (p.His2348Asp). This variant is present in population databases (rs776595258, gnomAD 0.007%). This variant has not been reported in the literature in individuals affected with WNK1-related conditions. Invitae Evidence Modeling of protein sequence and biophysical properties (such as structural, functional, and spatial information, amino acid conservation, physicochemical variation, residue mobility, and thermodynamic stability) indicates that this missense variant is not expected to disrupt WNK1 protein function with a negative predictive value of 95%. In summary, the available evidence is currently insufficient to determine the role of this variant in disease. Therefore, it has been classified as a Variant of Uncertain Significance.

NM_018979.4(WNK1):c.6286C>G (p.His2096Asp)

Gene: WNK1 (WNK lysine deficient protein kinase 1; plus strand). Cytogenetic location: 12p13.33.
Variant type: single nucleotide variant.
Coding change: c.6286C>G on transcript NM_018979.4 (MANE Select); coding-DNA position 6286, C replaced by G.
Protein change: p.His2096Asp; replaces histidine 2096 with aspartic acid.
Molecular consequence: missense variant.
Genome position (GRCh38, 1-based): chr12:897,519, C>G. VCF-style: chr12-897519-C-G. GRCh37 (hg19) VCF-style: chr12-1006685-C-G.
Other names: c.7066C>G, p.His2356Asp (NM_001184985.2); c.5542C>G, p.His1848Asp (NM_014823.3); c.7042C>G, p.His2348Asp (NM_213655.5); short protein forms H1848D, H2096D, H2348D, H2356D.
Identifiers: ClinVar variation 3749172 (VCV003749172.2).